The following is an entry in ClinVar:

ClinVar aggregate classification (germline): Conflicting classifications of pathogenicity. Review status: criteria provided, conflicting classifications (1 of 4 stars). 6 submissions from 6 submitters: Uncertain significance (1); Benign (2); Likely benign (2). 1 of the submissions does not count toward it. Last evaluated 2025-12-29.

Conditions:
Becker muscular dystrophy (BMD). Also called: MUSCULAR DYSTROPHY, PSEUDOHYPERTROPHIC PROGRESSIVE, BECKER TYPE; Becker Muscular Dystrophy (BMD). Identifiers: Orphanet 98895, MedGen C0917713, MONDO:0010311, OMIM 300376.
Cardiomyopathy (CMYO). Also called: Cardiomyopathies. Identifiers: Orphanet 167848, MedGen C0878544, MONDO:0004994, HP:0001638. Inheritance: Various modes of inheritance.
Dystrophin deficiency.
Duchenne muscular dystrophy (DMD). Also called: MUSCULAR DYSTROPHY, PSEUDOHYPERTROPHIC PROGRESSIVE, DUCHENNE TYPE; Duchenne Muscular Dystrophy (DMD). Identifiers: Orphanet 98896, MedGen C0013264, MONDO:0010679, OMIM 310200.
Cardiovascular phenotype. Identifiers: MedGen CN230736.

Allele frequency attached by ClinVar (database versions not stated): TOPMed 0.00008; ESP Exome Variant Server 0.00009; gnomAD 0.00010 and 0.00013; gnomAD exomes 0.00014; ExAC 0.00018.
gnomAD v4.1: 156 of 1,208,909 alleles (0.013%); highest among the groups gnomAD compares: Non-Finnish European, 0.017%; no homozygotes.

Submissions (6):

Labcorp Genetics (formerly Invitae), Labcorp
Classification: Benign for Duchenne muscular dystrophy. Last evaluated: 2025-12-29. Review status: criteria provided, single submitter. Criteria: Invitae Variant Classification Sherloc (09022015). Collection method: clinical testing. Allele origin: germline.

CeGaT Center for Human Genetics Tuebingen
Classification: Likely benign. Last evaluated: 2025-06-01. Review status: criteria provided, single submitter. Criteria: CeGaT Center For Human Genetics Tuebingen Variant Classification Criteria Version 2. Collection method: clinical testing. Allele origin: germline. Affected: yes. Observed: 1 variant allele.
Comment: DMD: BS2

GeneDx
Classification: Likely benign. Last evaluated: 2020-09-30. Review status: criteria provided, single submitter. Criteria: GeneDx Variant Classification Process June 2021. Collection method: clinical testing. Allele origin: germline. Affected: yes.

Ambry Genetics
Classification: Benign for Cardiovascular phenotype. Last evaluated: 2020-09-16. Review status: criteria provided, single submitter. Criteria: Ambry Variant Classification Scheme 2023. Collection method: clinical testing. Allele origin: germline.

Eurofins Ntd Llc (ga)
Classification: Uncertain significance. Last evaluated: 2015-03-16. Review status: criteria provided, single submitter. Criteria: EGL Classification Definitions 2015. Collection method: clinical testing. Allele origin: germline. Observed: 1 variant allele, 1 heterozygote.

Natera, Inc.
Classification: Likely benign for Becker muscular dystrophy; Cardiomyopathy; Duchenne muscular dystrophy; Dystrophin deficiency. Last evaluated: 2019-08-02. Review status: no assertion criteria provided. Collection method: clinical testing. Allele origin: germline. Not counted in ClinVar's aggregate classification.

NM_004006.3(DMD):c.7988C>G (p.Thr2663Arg)

Gene: DMD (dystrophin; minus strand). Cytogenetic location: Xp21.1.
Variant type: single nucleotide variant.
Coding change: c.7988C>G on transcript NM_004006.3 (MANE Select); coding-DNA position 7988, C replaced by G.
Protein change: p.Thr2663Arg; replaces threonine 2663 with arginine.
Molecular consequence: missense variant.
Genome position (GRCh38, 1-based): chrX:31,658,029, G>C on the plus strand (C>G on the coding strand, the complement: DMD is on the minus strand). VCF-style: chrX-31658029-G-C. GRCh37 (hg19) VCF-style: chrX-31676146-G-C.
Other names: c.7964C>G, p.Thr2655Arg (NM_000109.4); c.7976C>G, p.Thr2659Arg (NM_004009.3); c.7619C>G, p.Thr2540Arg (NM_004010.3); c.3965C>G, p.Thr1322Arg (NM_004011.4); c.3956C>G, p.Thr1319Arg (NM_004012.4); c.608C>G, p.Thr203Arg (NM_004013.3, NM_004020.4, NM_004021.3 and 2 more transcripts); short protein forms T2663R, T1322R, T2659R, T203R, T2540R, T2655R, T1319R.
Identifiers: ClinVar variation 197968 (VCV000197968.27), dbSNP rs144103124, ClinGen allele CA246388.